The following is an entry in ClinVar:

ClinVar aggregate classification (germline): Likely pathogenic (1 of 4 stars; one submission).

Submission:

GeneDx
Classification: Likely pathogenic. Last evaluated: 2024-05-07. Review status: criteria provided, single submitter. Criteria: GeneDx Variant Classification Process June 2021. Collection method: clinical testing. Allele origin: germline. Affected: yes.
Comment: Not observed in large population cohorts (gnomAD); In silico analysis supports that this missense variant has a deleterious effect on protein structure/function; This substitution is predicted to be within the pore forming loop between the S5 and S6 transmembrane segments of the first homologous domain; Has not been previously published as pathogenic or benign to our knowledge; This variant is associated with the following publications: (PMID: 22150645, 24101488, 30038559)

NM_001165963.4(SCN1A):c.1148T>C (p.Phe383Ser)

Gene: SCN1A (sodium voltage-gated channel alpha subunit 1; minus strand). Cytogenetic location: 2q24.3.
Variant type: single nucleotide variant.
Coding change: c.1148T>C on transcript NM_001165963.4 (MANE Select); coding-DNA position 1148, T replaced by C.
Protein change: p.Phe383Ser; replaces phenylalanine 383 with serine.
Molecular consequence: missense variant. On other transcripts: 5 prime UTR variant (1), non-coding transcript variant (1).
Genome position (GRCh38, 1-based): chr2:166,047,649, A>G on the plus strand (T>C on the coding strand, the complement: SCN1A is on the minus strand). VCF-style: chr2-166047649-A-G. GRCh37 (hg19) VCF-style: chr2-166904159-A-G.
Other names: c.1148T>C, p.Phe383Ser (NM_001165964.3, NM_001202435.3, NM_001353948.2 and 10 more transcripts); c.-1278T>C (NM_001353961.2); short protein forms F383S.
Identifiers: ClinVar variation 3375730 (VCV003375730.1).